The following is an entry in ClinVar:

NM_006231.4(POLE):c.1106+9G>T

Gene: POLE (DNA polymerase epsilon, catalytic subunit; minus strand). Cytogenetic location: 12q24.33.
Variant type: single nucleotide variant.
Coding change: c.1106+9G>T on transcript NM_006231.4 (MANE Select); 9 bases into the intron after coding-DNA position 1106, G replaced by T.
Molecular consequence: intron variant.
Genome position (GRCh38, 1-based): chr12:132,675,726, C>A on the plus strand (G>T on the coding strand, the complement: POLE is on the minus strand). VCF-style: chr12-132675726-C-A. GRCh37 (hg19) VCF-style: chr12-133252312-C-A.
Identifiers: ClinVar variation 797223 (VCV000797223.11), dbSNP rs746392495, ClinGen allele CA6894088.

ClinVar aggregate classification (germline): Likely benign. Review status: criteria provided, multiple submitters, no conflicts (2 of 4 stars). 2 submissions from 2 submitters: Likely benign (2). Last evaluated 2025-02-10.

Conditions:
Colorectal cancer, susceptibility to, 12 (CRCS12). Also called: COLORECTAL CANCER, SUSCEPTIBILITY TO, ON CHROMOSOME 12q24. Identifiers: Orphanet 220460, MedGen C3554460, MONDO:0014038, OMIM 615083.

Allele frequency attached by ClinVar (database versions not stated): gnomAD 0.00002; TOPMed 0.00002.
gnomAD v4.1: 17 of 1,612,362 alleles (0.0011%); highest among the groups gnomAD compares: Non-Finnish European, 0.0014%; no homozygotes.

Submissions (2):

Myriad Genetics, Inc.
Classification: Likely benign for Colorectal cancer, susceptibility to, 12. Last evaluated: 2025-02-10. Review status: criteria provided, single submitter. Criteria: Myriad Autosomal Dominant, Autosomal Recessive and X-Linked Classification Criteria (2023). Collection method: clinical testing. Allele origin: unknown.
Comment: This variant is considered likely benign. This variant is intronic and is not expected to impact mRNA splicing.

Labcorp Genetics (formerly Invitae), Labcorp
Classification: Likely benign. Last evaluated: 2024-02-06. Review status: criteria provided, single submitter. Criteria: Invitae Variant Classification Sherloc (09022015). Collection method: clinical testing. Allele origin: germline.